The following is an entry in ClinVar:

NM_000264.5(PTCH1):c.945+2T>G

Gene: PTCH1 (patched 1; minus strand). Cytogenetic location: 9q22.32.
Variant type: single nucleotide variant.
Coding change: c.945+2T>G on transcript NM_000264.5 (MANE Select); the canonical splice donor site of the intron after coding-DNA position 945, T replaced by G.
Molecular consequence: splice donor variant.
Genome position (GRCh38, 1-based): chr9:95,480,388, A>C on the plus strand (T>G on the coding strand, the complement: PTCH1 is on the minus strand). VCF-style: chr9-95480388-A-C. GRCh37 (hg19) VCF-style: chr9-98242670-A-C.
Other names: c.942+2T>G (NM_001083603.3); c.747+2T>G (NM_001083602.3); c.945+2T>G (NM_001354918.2); c.492+2T>G (NM_001083605.3, NM_001083604.3, NM_001083606.3 and 1 more transcripts).
Identifiers: ClinVar variation 2738319 (VCV002738319.3), dbSNP rs1131690979, ClinGen allele CA374113604.

ClinVar aggregate classification (germline): Pathogenic (1 of 4 stars; one submission).

Conditions:
Gorlin syndrome. Also called: Basal cell nevus syndrome; Nevoid Basal Cell Carcinoma Syndrome. Identifiers: Orphanet 377, MedGen C0004779, MONDO:0007187.

Submission:

Labcorp Genetics (formerly Invitae), Labcorp
Classification: Pathogenic for Gorlin syndrome. Last evaluated: 2025-01-15. Review status: criteria provided, single submitter. Criteria: Invitae Variant Classification Sherloc (09022015). Collection method: clinical testing. Allele origin: germline.
Comment: This sequence change affects a donor splice site in intron 6 of the PTCH1 gene. It is expected to disrupt RNA splicing. Variants that disrupt the donor or acceptor splice site typically lead to a loss of protein function (PMID: 16199547), and loss-of-function variants in PTCH1 are known to be pathogenic (PMID: 16301862, 16419085). This variant is not present in population databases (gnomAD no frequency). Disruption of this splice site has been observed in individuals with clinical features of basal cell nevus syndrome (PMID: 28733979; internal data). ClinVar contains an entry for this variant (Variation ID: 2738319). Algorithms developed to predict the effect of sequence changes on RNA splicing suggest that this variant may disrupt the consensus splice site. For these reasons, this variant has been classified as Pathogenic.

Literature cited by the submitters: PubMed 16199547; PubMed 16301862; PubMed 16419085; PubMed 28733979.